The following is an entry in ClinVar:

ClinVar aggregate classification (germline): Uncertain significance (1 of 4 stars; one submission).

Conditions:
Peutz-Jeghers syndrome (PJS). Also called: Peutz-Jeghers polyposis; Periorificial lentiginosis syndrome; POLYPOSIS, HAMARTOMATOUS INTESTINAL; POLYPS-AND-SPOTS SYNDROME. Identifiers: Orphanet 2869, MedGen C0031269, MeSH D010580, MONDO:0008280, OMIM 175200.

Submission:

Labcorp Genetics (formerly Invitae), Labcorp
Classification: Uncertain significance for Peutz-Jeghers syndrome. Last evaluated: 2023-05-30. Review status: criteria provided, single submitter. Criteria: Invitae Variant Classification Sherloc (09022015). Collection method: clinical testing. Allele origin: germline.
Comment: This variant is not present in population databases (gnomAD no frequency). This sequence change replaces glycine, which is neutral and non-polar, with aspartic acid, which is acidic and polar, at codon 196 of the STK11 protein (p.Gly196Asp). This variant has not been reported in the literature in individuals affected with STK11-related conditions. In summary, the available evidence is currently insufficient to determine the role of this variant in disease. Therefore, it has been classified as a Variant of Uncertain Significance. Advanced modeling of protein sequence and biophysical properties (such as structural, functional, and spatial information, amino acid conservation, physicochemical variation, residue mobility, and thermodynamic stability) performed at Invitae indicates that this missense variant is expected to disrupt STK11 protein function.

NM_000455.5(STK11):c.587G>A (p.Gly196Asp)

Gene: STK11 (serine/threonine kinase 11; plus strand). Cytogenetic location: 19p13.3.
Variant type: single nucleotide variant.
Coding change: c.587G>A on transcript NM_000455.5 (MANE Select); coding-DNA position 587, G replaced by A.
Protein change: p.Gly196Asp; replaces glycine 196 with aspartic acid.
Molecular consequence: missense variant. On other transcripts: non-coding transcript variant (1).
Genome position (GRCh38, 1-based): chr19:1,220,495, G>A. VCF-style: chr19-1220495-G-A. GRCh37 (hg19) VCF-style: chr19-1220494-G-A.
Other names: c.587G>A, p.Gly196Asp (NM_001407255.1); short protein forms G196D.
Identifiers: ClinVar variation 2846806 (VCV002846806.3), dbSNP rs1057519858, ClinGen allele CA402949286.
Genomic context (GRCh38, chr19:1,220,495, plus strand): 5'-ACATCAAGCCGGGGAACCTGCTGCTCACCACCGGTGGCACCCTCAAAATCTCCGACCTGG[G>A]CGTGGCCGAGGTAGGCACGTGCTAGGGGGGGCCCTGGGGCGCCCCCTCCCGGGCACTCCC-3'
Protein context (NP_000446.1, residues 186-206): TGGTLKISDL[Gly196Asp]VAEALHPFAA